The following is an entry in ClinVar:

NM_001378609.3(OTOGL):c.264A>T (p.Gly88=)

Gene: OTOGL (otogelin like; plus strand). Cytogenetic location: 12q21.31.
Variant type: single nucleotide variant.
Coding change: c.264A>T on transcript NM_001378609.3 (MANE Select); coding-DNA position 264, A replaced by T.
Protein change: p.Gly88=; no amino-acid change (glycine 88 retained).
Molecular consequence: synonymous variant.
Genome position (GRCh38, 1-based): chr12:80,219,842, A>T. VCF-style: chr12-80219842-A-T. GRCh37 (hg19) VCF-style: chr12-80613622-A-T.
Other names: c.264A>T, p.Gly88= (NM_001368062.3, NM_001378610.3, NM_173591.7).
Identifiers: ClinVar variation 1178132 (VCV001178132.6), dbSNP rs180905972, ClinGen allele CA6700121.

ClinVar aggregate classification (germline): Likely benign. Review status: criteria provided, multiple submitters, no conflicts (2 of 4 stars). 4 submissions from 4 submitters: Likely benign (3). 1 of the submissions does not count toward it. Last evaluated 2025-09-28.

Conditions:
OTOGL-related disorder. Also called: OTOGL-related condition.

Allele frequency attached by ClinVar (database versions not stated): gnomAD exomes 0.00003; ExAC 0.00004; gnomAD 0.00007 and 0.00009; TOPMed 0.00010; 1000 Genomes Project 0.00020; 1000 Genomes Project 30x 0.00031.
gnomAD v4.1: 38 of 1,589,544 alleles (0.0024%); highest among the groups gnomAD compares: Middle Eastern, 0.05%; no homozygotes.

Submissions (4):

Labcorp Genetics (formerly Invitae), Labcorp
Classification: Likely benign. Last evaluated: 2025-09-28. Review status: criteria provided, single submitter. Criteria: Invitae Variant Classification Sherloc (09022015). Collection method: clinical testing. Allele origin: germline.

Blueprint Genetics
Classification: Likely benign. Last evaluated: 2024-08-15. Review status: criteria provided, single submitter. Criteria: ACMG Guidelines, 2015. Collection method: clinical testing. Allele origin: germline.

GeneDx
Classification: Likely benign. Last evaluated: 2021-01-26. Review status: criteria provided, single submitter. Criteria: GeneDx Variant Classification Process June 2021. Collection method: clinical testing. Allele origin: germline. Affected: yes.

PreventionGenetics, part of Exact Sciences
Classification: Likely benign for OTOGL-related condition. Last evaluated: 2019-10-28. Review status: no assertion criteria provided. Collection method: clinical testing. Allele origin: germline. Not counted in ClinVar's aggregate classification.
Comment: This variant is classified as likely benign based on ACMG/AMP sequence variant interpretation guidelines (Richards et al. 2015 PMID: 25741868, with internal and published modifications).